The following is an entry in ClinVar:

NM_012330.4(KAT6B):c.4408A>T (p.Asn1470Tyr)

Gene: KAT6B (lysine acetyltransferase 6B; plus strand). Cytogenetic location: 10q22.2.
Variant type: single nucleotide variant.
Coding change: c.4408A>T on transcript NM_012330.4 (MANE Select); coding-DNA position 4408, A replaced by T.
Protein change: p.Asn1470Tyr; replaces asparagine 1470 with tyrosine.
Molecular consequence: missense variant.
Genome position (GRCh38, 1-based): chr10:75,029,232, A>T. VCF-style: chr10-75029232-A-T. GRCh37 (hg19) VCF-style: chr10-76788990-A-T.
Other names: c.3859A>T, p.Asn1287Tyr (NM_001256468.2, NM_001370138.1); c.3532A>T, p.Asn1178Tyr (NM_001256469.2, NM_001370139.1, NM_001370140.1 and 2 more transcripts); c.3370A>T, p.Asn1124Tyr (NM_001370132.1); c.2719A>T, p.Asn907Tyr (NM_001370133.1); c.2323A>T, p.Asn775Tyr (NM_001370134.1); c.2065A>T, p.Asn689Tyr (NM_001370135.1); c.4408A>T, p.Asn1470Tyr (NM_001370136.1, NM_001370137.1); c.3343A>T, p.Asn1115Tyr (NM_001370143.1, NM_001370144.1); short protein forms N1287Y, N1115Y, N1124Y, N1178Y, N689Y, N775Y, N1470Y, N907Y.
Identifiers: ClinVar variation 4742687 (VCV004742687.1).

ClinVar aggregate classification (germline): Uncertain significance (1 of 4 stars; one submission).

Conditions:
Genitopatellar syndrome (GTPTS). Also called: ABSENT PATELLAE, SCROTAL HYPOPLASIA, RENAL ANOMALIES, FACIAL DYSMORPHISM, AND MENTAL RETARDATION; Genitopatellar syndrome (GPS). Identifiers: Orphanet 85201, MedGen C1853566, MONDO:0011640, OMIM 606170.

Submission:

Labcorp Genetics (formerly Invitae), Labcorp
Classification: Uncertain significance for Genitopatellar syndrome. Last evaluated: 2025-02-25. Review status: criteria provided, single submitter. Criteria: Invitae Variant Classification Sherloc (09022015). Collection method: clinical testing. Allele origin: germline.
Comment: This sequence change replaces asparagine, which is neutral and polar, with tyrosine, which is neutral and polar, at codon 1470 of the KAT6B protein (p.Asn1470Tyr). This variant is not present in population databases (gnomAD no frequency). This variant has not been reported in the literature in individuals affected with KAT6B-related conditions. Invitae Evidence Modeling of protein sequence and biophysical properties (such as structural, functional, and spatial information, amino acid conservation, physicochemical variation, residue mobility, and thermodynamic stability) indicates that this missense variant is not expected to disrupt KAT6B protein function with a negative predictive value of 80%. In summary, the available evidence is currently insufficient to determine the role of this variant in disease. Therefore, it has been classified as a Variant of Uncertain Significance.